The following is an entry in ClinVar:

NM_001374353.1(GLI2):c.4336C>G (p.Leu1446Val)

Gene: GLI2 (GLI family zinc finger 2; plus strand). Cytogenetic location: 2q14.2.
Variant type: single nucleotide variant.
Coding change: c.4336C>G on transcript NM_001374353.1 (MANE Select); coding-DNA position 4336, C replaced by G.
Protein change: p.Leu1446Val; replaces leucine 1446 with valine.
Molecular consequence: missense variant.
Genome position (GRCh38, 1-based): chr2:120,990,301, C>G. VCF-style: chr2-120990301-C-G. GRCh37 (hg19) VCF-style: chr2-121747877-C-G.
Other names: c.4387C>G, p.Leu1463Val (NM_001371271.1, NM_005270.5); c.3961C>G, p.Leu1321Val (NM_001374354.1); short protein forms L1321V, L1463V, L1446V.
Identifiers: ClinVar variation 4997764 (VCV004997764.1).

ClinVar aggregate classification (germline): Uncertain significance (1 of 4 stars; one submission).

Conditions:
GLI2-related disorder. Also called: GLI2-related condition; GLI2-related disorders.

gnomAD v4.1: 1 of 1,613,760 alleles (0.000062%); highest among the groups gnomAD compares: African/African-American, 0.0013%; no homozygotes.

Submission:

PreventionGenetics, part of Exact Sciences
Classification: Uncertain significance for GLI2-related condition. Last evaluated: 2025-03-18. Review status: criteria provided, single submitter. Criteria: ACMG Guidelines, 2015. Collection method: clinical testing. Allele origin: germline.
Comment: The GLI2 c.4387C>G variant is predicted to result in the amino acid substitution p.Leu1463Val. To our knowledge, this variant has not been reported in the literature or in a large population database (gnomAD), indicating this variant is rare. At this time, the clinical significance of this variant is uncertain due to the absence of conclusive functional and genetic evidence.